The following is an entry in ClinVar:

NM_000089.4(COL1A2):c.2969C>A (p.Ala990Asp)

Gene: COL1A2 (collagen type I alpha 2 chain; plus strand). Cytogenetic location: 7q21.3.
Variant type: single nucleotide variant.
Coding change: c.2969C>A on transcript NM_000089.4 (MANE Select); coding-DNA position 2969, C replaced by A.
Protein change: p.Ala990Asp; replaces alanine 990 with aspartic acid.
Molecular consequence: missense variant.
Genome position (GRCh38, 1-based): chr7:94,426,023, C>A. VCF-style: chr7-94426023-C-A. GRCh37 (hg19) VCF-style: chr7-94055335-C-A.
Other names: p.Ala990Asp; short protein forms A990D.
Identifiers: ClinVar variation 855927 (VCV000855927.14), dbSNP rs1014550811, ClinGen allele CA162940151.

ClinVar aggregate classification (germline): Uncertain significance. Review status: criteria provided, multiple submitters, no conflicts (2 of 4 stars). 5 submissions from 5 submitters: Uncertain significance (5). Last evaluated 2026-06-10.

Conditions:
Osteogenesis imperfecta type I (OI1). Also called: Lobstein's Disease; Classic Non-deforming Osteogenesis Imperfecta with Blue Sclerae; Lobstein disease; OI, TYPE I; OSTEOGENESIS IMPERFECTA TARDA; OSTEOGENESIS IMPERFECTA WITH BLUE SCLERAE. Identifiers: Orphanet 216796, Orphanet 666, MedGen C0023931, MONDO:0008146, OMIM 166200. Disease mechanism: loss of function.
Ehlers-Danlos syndrome, classic type, 1 (EDSCL1). Also called: Ehlers-Danlos syndrome, type 1; Ehlers-Danlos Syndrome, Classic Type, COL5A1-Related; EDS I; EHLERS-DANLOS SYNDROME, GRAVIS TYPE; EHLERS-DANLOS SYNDROME, SEVERE CLASSIC TYPE. Identifiers: MedGen C0268335, MONDO:0019567, OMIM 130000.
Cardiovascular phenotype. Identifiers: MedGen CN230736.

Allele frequency attached by ClinVar (database versions not stated): gnomAD exomes below 0.00001; TOPMed 0.00012; gnomAD 0.00013 and 0.00011.
gnomAD v4.1: 27 of 1,614,114 alleles (0.0017%); highest among the groups gnomAD compares: Admixed American, 0.04%; no homozygotes.

Submissions (5):

Ambry Genetics
Classification: Uncertain significance for Cardiovascular phenotype. Last evaluated: 2026-06-10. Review status: criteria provided, single submitter. Criteria: Ambry Variant Classification Scheme 2023. Collection method: clinical testing. Allele origin: germline.

Labcorp Genetics (formerly Invitae), Labcorp
Classification: Uncertain significance for Osteogenesis imperfecta type I; Ehlers-Danlos syndrome, classic type, 1. Last evaluated: 2026-01-21. Review status: criteria provided, single submitter. Criteria: Invitae Variant Classification Sherloc (09022015). Collection method: clinical testing. Allele origin: germline.
Comment: This sequence change replaces alanine, which is neutral and non-polar, with aspartic acid, which is acidic and polar, at codon 990 of the COL1A2 protein (p.Ala990Asp). This variant is present in population databases (no rsID available, gnomAD 0.003%). This variant has not been reported in the literature in individuals affected with COL1A2-related conditions. ClinVar contains an entry for this variant (Variation ID: 855927). Invitae Evidence Modeling of protein sequence and biophysical properties (such as structural, functional, and spatial information, amino acid conservation, physicochemical variation, residue mobility, and thermodynamic stability) indicates that this missense variant is not expected to disrupt COL1A2 protein function with a negative predictive value of 95%. In summary, the available evidence is currently insufficient to determine the role of this variant in disease. Therefore, it has been classified as a Variant of Uncertain Significance.

Mayo Clinic Laboratories, Mayo Clinic
Classification: Uncertain significance. Last evaluated: 2023-07-06. Review status: criteria provided, single submitter. Criteria: ACMG Guidelines, 2015. Collection method: clinical testing. Allele origin: germline. Observed: 1 variant allele.

Athena Diagnostics
Classification: Uncertain significance. Last evaluated: 2020-01-14. Review status: criteria provided, single submitter. Criteria: Athena Diagnostics Criteria. Collection method: clinical testing. Allele origin: unknown.

GeneDx
Classification: Uncertain significance. Last evaluated: 2019-06-18. Review status: criteria provided, single submitter. Criteria: GeneDx Variant Classification Process June 2021. Collection method: clinical testing. Allele origin: germline. Affected: yes.
Comment: Not observed at a significant frequency in large population cohorts (Lek et al., 2016); In silico analysis, which includes protein predictors and evolutionary conservation, supports that this variant does not alter protein structure/function; Has not been previously published as pathogenic or benign to our knowledge